The following is an entry in ClinVar:

NM_198253.3(TERT):c.2744G>A (p.Gly915Asp)

Gene: TERT (telomerase reverse transcriptase; minus strand). Cytogenetic location: 5p15.33.
Variant type: single nucleotide variant.
Coding change: c.2744G>A on transcript NM_198253.3 (MANE Select); coding-DNA position 2744, G replaced by A.
Protein change: p.Gly915Asp; replaces glycine 915 with aspartic acid.
Molecular consequence: missense variant. On other transcripts: intron variant (1).
Genome position (GRCh38, 1-based): chr5:1,264,503, C>T on the plus strand (G>A on the coding strand, the complement: TERT is on the minus strand). VCF-style: chr5-1264503-C-T. GRCh37 (hg19) VCF-style: chr5-1264618-C-T.
Other names: c.2654+1961G>A (NM_001193376.3); short protein forms G915D.
Identifiers: ClinVar variation 471875 (VCV000471875.15), dbSNP rs202033269, ClinGen allele CA3184405.

ClinVar aggregate classification (germline): Conflicting classifications of pathogenicity. Review status: criteria provided, conflicting classifications (1 of 4 stars). 6 submissions from 5 submitters: Uncertain significance (4); Likely benign (1). 1 of the submissions does not count toward it. Last evaluated 2025-11-25.

Conditions:
TERT-related disorder. Also called: TERT-related condition; TERT-related disorders.
Dyskeratosis congenita, autosomal dominant 2. Identifiers: MedGen C3151443, MONDO:0013521, OMIM 613989.
Idiopathic Pulmonary Fibrosis. Also called: Idiopathic fibrosing alveolitis, chronic form; idiopathic fibrosing alveolitis. Identifiers: Orphanet 2032, MedGen C1800706, MeSH D054990, MONDO:0800504.
Pulmonary fibrosis and/or bone marrow failure, Telomere-related, 1. Also called: PULMONARY FIBROSIS AND/OR BONE MARROW FAILURE SYNDROME, TELOMERE-RELATED, 1. Identifiers: Orphanet 88, MedGen C3553617, MONDO:0013878, OMIM 614742.
Acute myeloid leukemia (AML). Also called: Leukemia, acute myeloid, somatic; Leukemia, acute myelogenous, somatic; Acute myeloid leukemia, adult; AML adult; Acute non-lymphocytic leukemia; Acute granulocytic leukemia. Identifiers: Orphanet 519, MedGen C0023467, MeSH D015470, MONDO:0018874, OMIM 601626, HP:0004808. Disease mechanism: Constitutively activated FLT3.
Melanoma, cutaneous malignant, susceptibility to, 9. Also called: Cutaneous malignant melanoma 9. Identifiers: Orphanet 618, MedGen C3554574, MONDO:0014056, OMIM 615134.
Dyskeratosis congenita. Identifiers: Orphanet 1775, MedGen C0265965, MONDO:0015780.

Allele frequency attached by ClinVar (database versions not stated): ExAC 0.00002; gnomAD 0.00002 and 0.00003; gnomAD exomes 0.00002 and 0.00005; TOPMed 0.00005; 1000 Genomes Project 30x 0.00031; 1000 Genomes Project 0.00040.
gnomAD v4.1: 36 of 1,614,010 alleles (0.0022%); highest among the groups gnomAD compares: Admixed American, 0.017%; no homozygotes.

Submissions (6):

Labcorp Genetics (formerly Invitae), Labcorp
Classification: Likely benign for Dyskeratosis congenita, autosomal dominant 2; Idiopathic Pulmonary Fibrosis. Last evaluated: 2025-11-25. Review status: criteria provided, single submitter. Criteria: Invitae Variant Classification Sherloc (09022015). Collection method: clinical testing. Allele origin: germline.

Ambry Genetics
Classification: Uncertain significance for Dyskeratosis congenita. Last evaluated: 2025-01-10. Review status: criteria provided, single submitter. Criteria: Ambry Variant Classification Scheme 2023. Collection method: clinical testing. Allele origin: germline.
Comment: The p.G915D variant (also known as c.2744G>A), located in coding exon 11 of the TERT gene, results from a G to A substitution at nucleotide position 2744. The glycine at codon 915 is replaced by aspartic acid, an amino acid with similar properties. This amino acid position is not well conserved in available vertebrate species. In addition, this alteration is predicted to be tolerated by in silico analysis. Based on the available evidence, the clinical significance of this variant remains unclear.

Fulgent Genetics
Classification: Uncertain significance for Acute myeloid leukemia; Dyskeratosis congenita, autosomal dominant 2; Pulmonary fibrosis and/or bone marrow failure, Telomere-related, 1; Melanoma, cutaneous malignant, susceptibility to, 9. Last evaluated: 2024-06-20. Review status: criteria provided, single submitter. Criteria: ACMG Guidelines, 2015. Collection method: clinical testing. Allele origin: germline.

Baylor Genetics
Classification: Uncertain significance for Dyskeratosis congenita, autosomal dominant 2. Last evaluated: 2024-02-28. Review status: criteria provided, single submitter. Criteria: ACMG Guidelines, 2015. Collection method: clinical testing. Allele origin: unknown.

Baylor Genetics
Classification: Uncertain significance for Dyskeratosis congenita, autosomal dominant 2. Last evaluated: 2021-02-09. Review status: criteria provided, single submitter. Criteria: ACMG Guidelines, 2015. Collection method: clinical testing. Allele origin: maternal. Affected: yes. Study: CSER-TexasKidsCanSeq.
Comment: This variant was determined to be of uncertain significance according to ACMG Guidelines, 2015 [PMID:25741868].

PreventionGenetics, part of Exact Sciences
Classification: Uncertain significance for TERT-related condition. Last evaluated: 2024-01-12. Review status: no assertion criteria provided. Collection method: clinical testing. Allele origin: germline. Not counted in ClinVar's aggregate classification.
Comment: The TERT c.2744G>A variant is predicted to result in the amino acid substitution p.Gly915Asp. To our knowledge, this variant has not been reported in the literature. This variant is reported in 0.026% of alleles in individuals of Latino descent in gnomAD. It is interpreted as uncertain significance in ClinVar. At this time, the clinical significance of this variant is uncertain due to the absence of conclusive functional and genetic evidence.